The following is an entry in ClinVar:

NM_000080.4(CHRNE):c.1248_1266dup (p.Cys423fs)

Gene: CHRNE (cholinergic receptor nicotinic epsilon subunit; minus strand). Cytogenetic location: 17p13.2.
Variant type: Duplication.
Coding change: c.1248_1266dup on transcript NM_000080.4 (MANE Select); coding-DNA positions 1248 to 1266, 19 bases duplicated (CGCCCCCGAGGTCCGCTGC).
Protein change: p.Cys423fs; shifts the reading frame from cysteine 423.
Molecular consequence: frameshift variant.
Genome position (GRCh38, 1-based): chr17:4,899,061-4,899,079, GCAGCGGACCTCGGGGGCG duplicated on the plus strand (CGCCCCCGAGGTCCGCTGC on the coding strand, the reverse complement: CHRNE is on the minus strand); duplicating any 19 consecutive bases within chr17:4,899,061-4,899,081 gives the same sequence; the c. name uses the placement nearest the transcript's 3' end. VCF-style (leftmost placement, unchanged base first): chr17-4899060-A-AGCAGCGGACCTCGGGGGCG. GRCh37 (hg19) VCF-style: chr17-4802355-A-AGCAGCGGACCTCGGGGGCG.
Other names: short protein forms C423fs.
Identifiers: ClinVar variation 1959021 (VCV001959021.9), dbSNP rs1567635867, ClinGen allele CA624855814.
Genomic context (GRCh38, chr17:4,899,060, plus strand): 5'-CCTCGCCGGTGGCCTCCTGATCTCTCGTGCTCTCGGCCACGAAGTTCACGGCATCCACAC[A>AGCAGCGGACCTCGGGGGCG]GCAGCGGACCTCGGGGGCGGCGGCGCCCAGGCTCTGGCAGAAGGCAGCTGGCGGGGAAAA-3'

ClinVar aggregate classification (germline): Pathogenic/Likely pathogenic. Review status: criteria provided, multiple submitters, no conflicts (2 of 4 stars). 5 submissions from 5 submitters: Pathogenic (4); Likely pathogenic (1). Last evaluated 2025-10-28.

Conditions:
Congenital myasthenic syndrome 4C (CMS4C). Also called: Myasthenic syndrome, congenital, associated with acetylcholine receptor deficiency. Identifiers: Orphanet 590, MedGen C1837091, MONDO:0012157, OMIM 608931.
Congenital myasthenic syndrome 4A. Also called: CONGENITAL MYASTHENIC SYNDROME TYPE Ia1; MYASTHENIC SYNDROME, CONGENITAL, 4A, SLOW-CHANNEL, AUTOSOMAL RECESSIVE; Myasthenic syndrome, congenital, 4a, slow-channel. Identifiers: Orphanet 590, MedGen C4225413, MONDO:0011600, OMIM 605809.
Congenital myasthenic syndrome 4B. Also called: Myasthenic syndrome, congenital, 4b, fast-channel. Identifiers: Orphanet 590, MedGen C4225369, MONDO:0014586, OMIM 616324.
Congenital myasthenic syndrome (CMS). Also called: Congenital Myasthenic Syndromes. Identifiers: Orphanet 590, MedGen C0751882, MeSH D020294, MONDO:0018940.
CHRNE-related disorder. Also called: CHRNE-related condition.

Submissions (5):

Myriad Genetics, Inc.
Classification: Pathogenic for Congenital myasthenic syndrome. Last evaluated: 2025-10-28. Review status: criteria provided, single submitter. Criteria: Myriad Autosomal Dominant, Autosomal Recessive and X-Linked Classification Criteria (2023). Collection method: clinical testing. Allele origin: unknown.
Comment: NM_000080.3(CHRNE):c.1248_1266dup19(C423Rfs*39) is a frameshift variant classified as pathogenic in the context of congenital myasthenic syndrome, CHRNE-related. C423Rfs*39 has been observed in a case with relevant disease (PMID: 9708546). Relevant functional assessments of this variant are available in the literature (PMID: 9708546). C423Rfs*39 has been observed in referenced population frequency databases. In summary, NM_000080.3(CHRNE):c.1248_1266dup19(C423Rfs*39) is a frameshift variant in a gene where loss of function is a known mechanism of disease, is predicted to disrupt protein function, and has been observed more frequently in cases with the relevant disease than in healthy populations. Please note: this variant was assessed in the context of healthy population screening.

Labcorp Genetics (formerly Invitae), Labcorp
Classification: Pathogenic for Congenital myasthenic syndrome 4A. Last evaluated: 2024-09-14. Review status: criteria provided, single submitter. Criteria: Invitae Variant Classification Sherloc (09022015). Collection method: clinical testing. Allele origin: germline.
Comment: This sequence change creates a premature translational stop signal (p.Cys423Argfs*39) in the CHRNE gene. While this is not anticipated to result in nonsense mediated decay, it is expected to disrupt the last 71 amino acid(s) of the CHRNE protein. This variant is present in population databases (no rsID available, gnomAD 0.0009%). This premature translational stop signal has been observed in individuals with autosomal recessive congenital myasthenic syndrome (PMID: 9708546, 30898524). It has also been observed to segregate with disease in related individuals. This variant is also known as 1206ins19. ClinVar contains an entry for this variant (Variation ID: 1959021). This variant disrupts a region of the CHRNE protein in which other variant(s) (p.Asn452Glufs*4) have been determined to be pathogenic (PMID: 8957026, 15951177, 19064877, 21175599, 28024842, 29054425). This suggests that this is a clinically significant region of the protein, and that variants that disrupt it are likely to be disease-causing. For these reasons, this variant has been classified as Pathogenic.

Blueprint Genetics
Classification: Pathogenic for CHRNE-related disorders. Last evaluated: 2024-02-09. Review status: criteria provided, single submitter. Criteria: ACMG Guidelines, 2015. Collection method: clinical testing. Allele origin: germline. Affected: yes. Observed: 2 variant alleles.

Baylor Genetics
Classification: Pathogenic for Congenital myasthenic syndrome 4A. Last evaluated: 2023-05-09. Review status: criteria provided, single submitter. Criteria: ACMG Guidelines, 2015. Collection method: clinical testing. Allele origin: unknown.

Juno Genomics, Hangzhou Juno Genomics, Inc
Classification: Likely pathogenic for Congenital myasthenic syndrome 4A; Congenital myasthenic syndrome 4B; Congenital myasthenic syndrome 4C. Review status: criteria provided, single submitter. Criteria: ACMG Guidelines, 2015. Collection method: clinical testing. Allele origin: germline.
Comment: Absent from controls (or at extremely low frequency if recessive) in Genome Aggregation Database.;Null variant in a gene where loss of function (LOF) is a known mechanism of disease.;For recessive disorders, detected in trans with a pathogenic variant.;Co-segregation with disease in multiple affected family members.

Literature cited by the submitters: PubMed 9708546 (cited by Myriad Genetics, Inc. and Labcorp Genetics (formerly Invitae), Labcorp); PubMed 30898524 (cited by Labcorp Genetics (formerly Invitae), Labcorp); PubMed 8957026 (cited by Labcorp Genetics (formerly Invitae), Labcorp); PubMed 15951177 (cited by Labcorp Genetics (formerly Invitae), Labcorp); PubMed 19064877 (cited by Labcorp Genetics (formerly Invitae), Labcorp); PubMed 21175599 (cited by Labcorp Genetics (formerly Invitae), Labcorp); PubMed 28024842 (cited by Labcorp Genetics (formerly Invitae), Labcorp); PubMed 29054425 (cited by Labcorp Genetics (formerly Invitae), Labcorp).